The following is an entry in ClinVar:

ClinVar aggregate classification (germline): Uncertain significance (1 of 4 stars; one submission).

Allele frequency attached by ClinVar (database versions not stated): gnomAD exomes below 0.00001.
gnomAD v4.1: 1 of 1,609,208 alleles (0.000062%); highest among the groups gnomAD compares: Non-Finnish European, 0.000085%; no homozygotes.

Submission:

Labcorp Genetics (formerly Invitae), Labcorp
Classification: Uncertain significance. Last evaluated: 2022-07-14. Review status: criteria provided, single submitter. Criteria: Invitae Variant Classification Sherloc (09022015). Collection method: clinical testing. Allele origin: germline.
Comment: This sequence change replaces cysteine, which is neutral and slightly polar, with tryptophan, which is neutral and slightly polar, at codon 253 of the EYS protein (p.Cys253Trp). This variant is not present in population databases (gnomAD no frequency). This variant has not been reported in the literature in individuals affected with EYS-related conditions. Algorithms developed to predict the effect of missense changes on protein structure and function (SIFT, PolyPhen-2, Align-GVGD) all suggest that this variant is likely to be disruptive. In summary, the available evidence is currently insufficient to determine the role of this variant in disease. Therefore, it has been classified as a Variant of Uncertain Significance.

NM_001142800.2(EYS):c.759C>G (p.Cys253Trp)

Gene: EYS (eyes shut homolog; minus strand). Cytogenetic location: 6q12.
Variant type: single nucleotide variant.
Coding change: c.759C>G on transcript NM_001142800.2 (MANE Select); coding-DNA position 759, C replaced by G.
Protein change: p.Cys253Trp; replaces cysteine 253 with tryptophan.
Molecular consequence: missense variant.
Genome position (GRCh38, 1-based): chr6:65,490,697, G>C on the plus strand (C>G on the coding strand, the complement: EYS is on the minus strand). VCF-style: chr6-65490697-G-C. GRCh37 (hg19) VCF-style: chr6-66200590-G-C.
Other names: c.759C>G, p.Cys253Trp (NM_001142801.2, NM_001292009.2, NM_198283.2); short protein forms C253W.
Identifiers: ClinVar variation 1965491 (VCV001965491.2), dbSNP rs2533015284, ClinGen allele CA364789185.